The following is an entry in ClinVar:

NM_198506.5(LRIT3):c.*962A>G

Gene: LRIT3 (leucine rich repeat, Ig-like and transmembrane domains 3; plus strand). Cytogenetic location: 4q25.
Variant type: single nucleotide variant.
Coding change: c.*962A>G on transcript NM_198506.5 (MANE Select); 962 bases downstream of the stop codon, A replaced by G.
Molecular consequence: 3 prime UTR variant.
Genome position (GRCh38, 1-based): chr4:109,871,751, A>G. VCF-style: chr4-109871751-A-G. GRCh37 (hg19) VCF-style: chr4-110792907-A-G.
Identifiers: ClinVar variation 347208 (VCV000347208.5), dbSNP rs10011256, ClinGen allele CA10619877.

ClinVar aggregate classification (germline): Benign (1 of 4 stars; one submission).

Conditions:
Congenital stationary night blindness 1F. Also called: Night blindness, congenital stationary (complete), 1F, autosomal recessive. Identifiers: Orphanet 215, MedGen C3554399, MONDO:0014026, OMIM 615058.

Allele frequency attached by ClinVar (database versions not stated): 1000 Genomes Project 0.01378; 1000 Genomes Project 30x 0.01562; gnomAD 0.01706 and 0.01835; TOPMed 0.01993.

Submission:

Illumina Laboratory Services, Illumina
Classification: Benign for Congenital stationary night blindness 1F. Last evaluated: 2018-01-13. Review status: criteria provided, single submitter. Criteria: ICSL Variant Classification Criteria 13 December 2019. Collection method: clinical testing. Allele origin: germline.
Comment: This variant was observed in the ICSL laboratory as part of a predisposition screen in an ostensibly healthy population. It had not been previously curated by ICSL or reported in the Human Gene Mutation Database (HGMD: prior to June 1st, 2018), and was therefore a candidate for classification through an automated scoring system. Utilizing variant allele frequency, disease prevalence and penetrance estimates, and inheritance mode, an automated score was calculated to assess if this variant is too frequent to cause the disease. Based on the score and internal cut-off values, a variant classified as benign is not then subjected to further curation. The score for this variant resulted in a classification of benign for this disease.